The following is an entry in ClinVar:

ClinVar aggregate classification (germline): Pathogenic. Review status: criteria provided, multiple submitters, no conflicts (2 of 4 stars). 3 submissions from 3 submitters: Pathogenic (2). 1 of the submissions does not count toward it. Last evaluated 2026-05-24.

Conditions:
HIST1H1E-related neurodevelopmental disorder with multiple anomalies.
Rahman syndrome. Also called: HIST1H1E Syndrome. Identifiers: Orphanet 642763, MedGen C4479637, MONDO:0044323, OMIM 617537.

Submissions (3):

GeneDx
Classification: Pathogenic. Last evaluated: 2026-05-24. Review status: criteria provided, single submitter. Criteria: GeneDx Variant Classification Process June 2021. Collection method: clinical testing. Allele origin: germline.
Comment: Frameshift variant predicted to result in abnormal protein length as the last 97 amino acid(s) are replaced with 72 different amino acid(s), and other similar variants have been reported in HGMD; Not observed at significant frequency in large population cohorts (gnomAD); This variant is associated with the following publications: (PMID: 31400068, 36672771, 33057194, 35982159)

Institute of Human Genetics, University of Leipzig Medical Center
Classification: Pathogenic for Rahman syndrome. Last evaluated: 2021-10-19. Review status: criteria provided, single submitter. Criteria: ACMG Guidelines, 2015. Collection method: clinical testing. Allele origin: de novo. Affected: yes.
Comment: This variant was identified as de novo (maternity and paternity confirmed)._x000D_ Criteria applied: PVS1_STR, PS2, PM2_SUP, PS4_MOD

GeneReviews
No classification provided. Condition: Rahman syndrome. Review status: no classification provided. Collection method: literature only. Allele origin: de novo. Not counted in ClinVar's aggregate classification.

Literature cited by the submitters: NCBI Bookshelf NBK564966 (cited by GeneReviews); PubMed 33270410 (cited by GeneReviews).

NM_005321.3(H1-4):c.365dup (p.Ala123fs)

Gene: H1-4 (H1.4 linker histone, cluster member; plus strand). Cytogenetic location: 6p22.2.
Variant type: Duplication.
Coding change: c.365dup on transcript NM_005321.3 (MANE Select); coding-DNA position 365, one base duplicated (A; older notation c.365dupA).
Protein change: p.Ala123fs; shifts the reading frame from alanine 123.
Molecular consequence: frameshift variant.
Genome position (GRCh38, 1-based): chr6:26,156,755, A duplicated; the last of 5 consecutive A bases (chr6:26,156,751-26,156,755); duplicating any one gives the same sequence. VCF-style (leftmost placement, unchanged base first): chr6-26156750-T-TA. GRCh37 (hg19) VCF-style: chr6-26156978-T-TA.
Other names: c.360_361insA (NM_005321.2); c.361dup (NM_005321.3); short protein forms A123fs.
Identifiers: ClinVar variation 975953 (VCV000975953.10), dbSNP rs768525914, ClinGen allele CA1139659457.